The following is an entry in ClinVar:

ClinVar aggregate classification (germline): Uncertain significance (1 of 4 stars; one submission).

Conditions:
Multiple endocrine neoplasia, type 2 (MEN2). Identifiers: Orphanet 653, MedGen C4048306, MONDO:0019003. Disease mechanism: gain of function.

Allele frequency attached by ClinVar (database versions not stated): gnomAD 0.00001.
gnomAD v4.1: 3 of 1,606,814 alleles (0.00019%); no homozygotes.

Submission:

Labcorp Genetics (formerly Invitae), Labcorp
Classification: Uncertain significance for Multiple endocrine neoplasia, type 2. Last evaluated: 2023-06-27. Review status: criteria provided, single submitter. Criteria: Invitae Variant Classification Sherloc (09022015). Collection method: clinical testing. Allele origin: germline.
Comment: In summary, the available evidence is currently insufficient to determine the role of this variant in disease. Therefore, it has been classified as a Variant of Uncertain Significance. An algorithm developed to predict the effect of missense changes on protein structure and function (PolyPhen-2) suggests that this variant is likely to be disruptive. This missense change has been observed in individual(s) with Hirschsprung disease (PMID: 10946353). In at least one individual the variant was observed to be de novo. This variant is not present in population databases (gnomAD no frequency). This sequence change replaces glycine, which is neutral and non-polar, with aspartic acid, which is acidic and polar, at codon 588 of the RET protein (p.Gly588Asp).

Literature cited by the submitters: PubMed 10946353.

NM_020975.6(RET):c.1763G>A (p.Gly588Asp)

Gene: RET (ret proto-oncogene; plus strand). Cytogenetic location: 10q11.21.
Variant type: single nucleotide variant.
Coding change: c.1763G>A on transcript NM_020975.6 (MANE Select); coding-DNA position 1763, G replaced by A.
Protein change: p.Gly588Asp; replaces glycine 588 with aspartic acid.
Molecular consequence: missense variant. On other transcripts: intron variant (2).
Genome position (GRCh38, 1-based): chr10:43,113,559, G>A. VCF-style: chr10-43113559-G-A. GRCh37 (hg19) VCF-style: chr10-43609007-G-A.
Other names: c.1763G>A, p.Gly588Asp (NM_001406744.1, NM_001406759.1, NM_001406760.1 and 6 more transcripts); c.1634G>A, p.Gly545Asp (NM_001406761.1, NM_001406762.1, NM_001406764.1 and 1 more transcripts); c.1475G>A, p.Gly492Asp (NM_001406766.1, NM_001406767.1, NM_001406770.1); c.1001G>A, p.Gly334Asp (NM_001355216.2); c.1037G>A, p.Gly346Asp (NM_001406777.1, NM_001406778.1, NM_001406775.1 and 1 more transcripts); c.866G>A, p.Gly289Asp (NM_001406779.1, NM_001406780.1, NM_001406781.1 and 2 more transcripts); c.737G>A, p.Gly246Asp (NM_001406783.1, NM_001406786.1); c.773G>A, p.Gly258Asp (NM_001406784.1); and 7 more; short protein forms G193D, G258D, G413D, G442D, G588D, G346D, G545D, G105D.
Identifiers: ClinVar variation 2735390 (VCV002735390.3), dbSNP rs1398378776, ClinGen allele CA376552396.